The following is an entry in ClinVar:

ClinVar aggregate classification (germline): Uncertain significance. Review status: criteria provided, multiple submitters, no conflicts (2 of 4 stars). 3 submissions from 3 submitters: Uncertain significance (3). Last evaluated 2025-07-05.

Conditions:
Hereditary cancer-predisposing syndrome. Also called: Tumor predisposition; Neoplastic Syndromes, Hereditary; Hereditary Cancer Syndrome; Hereditary neoplastic syndrome. Identifiers: Orphanet 140162, MedGen C0027672, MeSH D009386, MONDO:0015356.
Fanconi anemia complementation group J. Also called: BRIP1-Related Fanconi Anemia. Identifiers: Orphanet 84, MedGen C1836860, MONDO:0012187, OMIM 609054.
Familial cancer of breast. Also called: BREAST CANCER, FAMILIAL; Hereditary breast cancer; hereditary breast carcinoma. Identifiers: Orphanet 227535, MedGen C0346153, MONDO:0016419, OMIM 114480. Disease mechanism: loss of function.

Allele frequency attached by ClinVar (database versions not stated): gnomAD exomes below 0.00001; ExAC 0.00001.

Submissions (3):

Ambry Genetics
Classification: Uncertain significance for Hereditary cancer-predisposing syndrome. Last evaluated: 2025-07-05. Review status: criteria provided, single submitter. Criteria: Ambry Variant Classification Scheme 2023. Collection method: clinical testing. Allele origin: germline.
Comment: The p.S1089A variant (also known as c.3265T>G), located in coding exon 19 of the BRIP1 gene, results from a T to G substitution at nucleotide position 3265. The serine at codon 1089 is replaced by alanine, an amino acid with similar properties. This amino acid position is not well conserved in available vertebrate species. In addition, this alteration is predicted to be tolerated by in silico analysis. Since supporting evidence is limited at this time, the clinical significance of this alteration remains unclear.

Color Diagnostics, LLC DBA Color Health
Classification: Uncertain significance for Hereditary cancer-predisposing syndrome. Last evaluated: 2024-03-06. Review status: criteria provided, single submitter. Criteria: ACMG Guidelines, 2015. Collection method: clinical testing. Allele origin: germline.
Comment: This missense variant replaces serine with alanine at codon 1089 of the BRIP1 protein. Computational prediction suggests that this variant may not impact protein structure and function (internally defined REVEL score threshold <= 0.5, PMID: 27666373). To our knowledge, functional studies have not been reported for this variant. This variant has not been reported in individuals affected with hereditary cancer in the literature. This variant has been identified in 1/250904 chromosomes in the general population by the Genome Aggregation Database (gnomAD). The available evidence is insufficient to determine the role of this variant in disease conclusively. Therefore, this variant is classified as a Variant of Uncertain Significance.

Labcorp Genetics (formerly Invitae), Labcorp
Classification: Uncertain significance for Familial cancer of breast; Fanconi anemia complementation group J. Last evaluated: 2023-10-17. Review status: criteria provided, single submitter. Criteria: Invitae Variant Classification Sherloc (09022015). Collection method: clinical testing. Allele origin: germline.
Comment: This sequence change replaces serine, which is neutral and polar, with alanine, which is neutral and non-polar, at codon 1089 of the BRIP1 protein (p.Ser1089Ala). This variant is present in population databases (rs764205156, gnomAD 0.0009%). This variant has not been reported in the literature in individuals affected with BRIP1-related conditions. ClinVar contains an entry for this variant (Variation ID: 479476). Algorithms developed to predict the effect of missense changes on protein structure and function output the following: SIFT: "Not Available"; PolyPhen-2: "Benign"; Align-GVGD: "Not Available". The alanine amino acid residue is found in multiple mammalian species, which suggests that this missense change does not adversely affect protein function. In summary, the available evidence is currently insufficient to determine the role of this variant in disease. Therefore, it has been classified as a Variant of Uncertain Significance.

NM_032043.3(BRIP1):c.3265T>G (p.Ser1089Ala)

Gene: BRIP1 (BRCA1 interacting DNA helicase 1; minus strand). Cytogenetic location: 17q23.2.
Variant type: single nucleotide variant.
Coding change: c.3265T>G on transcript NM_032043.3 (MANE Select); coding-DNA position 3265, T replaced by G.
Protein change: p.Ser1089Ala; replaces serine 1089 with alanine.
Molecular consequence: missense variant.
Genome position (GRCh38, 1-based): chr17:61,683,781, A>C on the plus strand (T>G on the coding strand, the complement: BRIP1 is on the minus strand). VCF-style: chr17-61683781-A-C. GRCh37 (hg19) VCF-style: chr17-59761142-A-C.
Other names: short protein forms S1089A.
Identifiers: ClinVar variation 479476 (VCV000479476.19), dbSNP rs764205156, ClinGen allele CA8690378.